The following is an entry in ClinVar:

ClinVar aggregate classification (germline): Pathogenic (1 of 4 stars; one submission).

Conditions:
Spastic paraplegia. Identifiers: MedGen C0037772, HP:0001258.

Submission:

Labcorp Genetics (formerly Invitae), Labcorp
Classification: Pathogenic for Spastic paraplegia. Last evaluated: 2023-02-04. Review status: criteria provided, single submitter. Criteria: Invitae Variant Classification Sherloc (09022015). Collection method: clinical testing. Allele origin: germline.
Comment: This sequence change creates a premature translational stop signal (p.Ser2058Phefs*2) in the SACS gene. While this is not anticipated to result in nonsense mediated decay, it is expected to disrupt the last 2522 amino acid(s) of the SACS protein. The frequency data for this variant in the population databases is considered unreliable, as metrics indicate poor data quality at this position in the gnomAD database. This variant has not been reported in the literature in individuals affected with SACS-related conditions. This variant disrupts a region of the SACS protein in which other variant(s) (p.Asn4549Asp) have been determined to be pathogenic (PMID: 15156359, 21507954). This suggests that this is a clinically significant region of the protein, and that variants that disrupt it are likely to be disease-causing. For these reasons, this variant has been classified as Pathogenic.

Literature cited by the submitters: PubMed 15156359; PubMed 21507954.

NM_014363.6(SACS):c.6172dup (p.Ser2058fs)

Gene: SACS (sacsin molecular chaperone; minus strand). Cytogenetic location: 13q12.12.
Variant type: Duplication.
Coding change: c.6172dup on transcript NM_014363.6 (MANE Select); coding-DNA position 6172, one base duplicated (T; older notation c.6172dupT).
Protein change: p.Ser2058fs; shifts the reading frame from serine 2058.
Molecular consequence: frameshift variant.
Genome position (GRCh38, 1-based): chr13:23,337,704, A duplicated on the plus strand (T on the coding strand, the reverse complement: SACS is on the minus strand); the first of 7 consecutive A bases (chr13:23,337,704-23,337,710); duplicating any one gives the same sequence. VCF-style (leftmost placement, unchanged base first): chr13-23337703-G-GA. GRCh37 (hg19) VCF-style: chr13-23911842-G-GA.
Other names: c.5731dup, p.Ser1911fs (NM_001278055.2); short protein forms S1911fs, S2058fs.
Identifiers: ClinVar variation 2969937 (VCV002969937.3), dbSNP rs1214399996, ClinGen allele CA608985261.